The following is an entry in ClinVar:

ClinVar aggregate classification (germline): Uncertain significance (1 of 4 stars; one submission).

Allele frequency attached by ClinVar (database versions not stated): TOPMed below 0.00001.
gnomAD v4.1: 10 of 1,613,084 alleles (0.00062%); highest among the groups gnomAD compares: Admixed American, 0.0017%; no homozygotes.

Submission:

Labcorp Genetics (formerly Invitae), Labcorp
Classification: Uncertain significance. Last evaluated: 2024-10-07. Review status: criteria provided, single submitter. Criteria: Invitae Variant Classification Sherloc (09022015). Collection method: clinical testing. Allele origin: germline.
Comment: This sequence change replaces serine, which is neutral and polar, with tyrosine, which is neutral and polar, at codon 342 of the ROBO1 protein (p.Ser342Tyr). This variant is present in population databases (rs760701852, gnomAD 0.002%). This variant has not been reported in the literature in individuals affected with ROBO1-related conditions. Invitae Evidence Modeling of protein sequence and biophysical properties (such as structural, functional, and spatial information, amino acid conservation, physicochemical variation, residue mobility, and thermodynamic stability) indicates that this missense variant is expected to disrupt ROBO1 protein function with a positive predictive value of 95%. In summary, the available evidence is currently insufficient to determine the role of this variant in disease. Therefore, it has been classified as a Variant of Uncertain Significance.

NM_002941.4(ROBO1):c.1025C>A (p.Ser342Tyr)

Gene: ROBO1 (roundabout guidance receptor 1; minus strand). Cytogenetic location: 3p12.3.
Variant type: single nucleotide variant.
Coding change: c.1025C>A on transcript NM_002941.4 (MANE Select); coding-DNA position 1025, C replaced by A.
Protein change: p.Ser342Tyr; replaces serine 342 with tyrosine.
Molecular consequence: missense variant.
Genome position (GRCh38, 1-based): chr3:78,714,417, G>T on the plus strand (C>A on the coding strand, the complement: ROBO1 is on the minus strand). VCF-style: chr3-78714417-G-T. GRCh37 (hg19) VCF-style: chr3-78763567-G-T.
Other names: c.908C>A, p.Ser303Tyr (NM_001145844.1, NM_001145845.2, NM_133631.4); short protein forms S303Y, S342Y.
Identifiers: ClinVar variation 2882466 (VCV002882466.3), dbSNP rs760701852, ClinGen allele CA77547594.